The following is an entry in ClinVar:

ClinVar aggregate classification (germline): Uncertain significance (1 of 4 stars; one submission).

Submission:

Labcorp Genetics (formerly Invitae), Labcorp
Classification: Uncertain significance. Last evaluated: 2025-08-11. Review status: criteria provided, single submitter. Criteria: Invitae Variant Classification Sherloc (09022015). Collection method: clinical testing. Allele origin: germline.
Comment: This sequence change replaces phenylalanine, which is neutral and non-polar, with valine, which is neutral and non-polar, at codon 270 of the GHSR protein (p.Phe270Val). This variant is present in population databases (no rsID available, gnomAD 0.01%). This variant has not been reported in the literature in individuals affected with GHSR-related conditions. Invitae Evidence Modeling of protein sequence and biophysical properties (such as structural, functional, and spatial information, amino acid conservation, physicochemical variation, residue mobility, and thermodynamic stability) indicates that this missense variant is not expected to disrupt GHSR protein function with a negative predictive value of 80%. In summary, the available evidence is currently insufficient to determine the role of this variant in disease. Therefore, it has been classified as a Variant of Uncertain Significance.

NM_198407.2(GHSR):c.808T>G (p.Phe270Val)

Gene: GHSR (growth hormone secretagogue receptor; minus strand). Cytogenetic location: 3q26.31.
Variant type: single nucleotide variant.
Coding change: c.808T>G on transcript NM_198407.2 (MANE Select); coding-DNA position 808, T replaced by G.
Protein change: p.Phe270Val; replaces phenylalanine 270 with valine.
Molecular consequence: missense variant.
Genome position (GRCh38, 1-based): chr3:172,445,454, A>C on the plus strand (T>G on the coding strand, the complement: GHSR is on the minus strand). VCF-style: chr3-172445454-A-C. GRCh37 (hg19) VCF-style: chr3-172163244-A-C.
Other names: short protein forms F270V.
Identifiers: ClinVar variation 4764454 (VCV004764454.1).
Genomic context (GRCh38, chr3:172,445,454, plus strand): 5'-AGGATTTGGAAAATAAATATCGCCCTACGTGGAAGGGGAGCCAGCAGAGGATGAAGGCAA[A>C]CACCACTACAGCTAAAAGGACAATGGGAGAGAGATAGTCAGCTCAAGAAATGTCACAGCA-3'
Protein context (NP_940799.1, residues 260-280): QTVKMLAVVV[Phe270Val]AFILCWLPFH